The following is an entry in ClinVar:

NM_002834.5(PTPN11):c.562G>A (p.Asp188Asn)

Gene: PTPN11 (protein tyrosine phosphatase non-receptor type 11; plus strand). Cytogenetic location: 12q24.13.
Variant type: single nucleotide variant.
Coding change: c.562G>A on transcript NM_002834.5 (MANE Select); coding-DNA position 562, G replaced by A.
Protein change: p.Asp188Asn; replaces aspartic acid 188 with asparagine.
Molecular consequence: missense variant.
Genome position (GRCh38, 1-based): chr12:112,454,600, G>A. VCF-style: chr12-112454600-G-A. GRCh37 (hg19) VCF-style: chr12-112892404-G-A.
Other names: c.562G>A, p.Asp188Asn (NM_001330437.2, NM_080601.3); c.559G>A, p.Asp187Asn (NM_001374625.1); short protein forms D188N, D187N.
Identifiers: ClinVar variation 633382 (VCV000633382.2), dbSNP rs1555267939, ClinGen allele CA386782347.
Genomic context (GRCh38, chr12:112,454,600, plus strand): 5'-AATGTCATGTGTTTATCTTGAAAGGAACTGAAATACGACGTTGGTGGAGGAGAACGGTTT[G>A]ATTCTTTGACAGATCTTGTGGAACATTATAAGAAGAATCCTATGGTGGAAACATTGGGTA-3'
Protein context (NP_002825.3, residues 178-198): KYDVGGGERF[Asp188Asn]SLTDLVEHYK

ClinVar aggregate classification (germline): Uncertain significance. Review status: criteria provided, multiple submitters, no conflicts (2 of 4 stars). 2 submissions from 2 submitters: Uncertain significance (2). Last evaluated 2025-05-05.

Conditions:
Cardiovascular phenotype. Identifiers: MedGen CN230736.

Submissions (2):

Ambry Genetics
Classification: Uncertain significance for Cardiovascular phenotype. Last evaluated: 2025-05-05. Review status: criteria provided, single submitter. Criteria: Ambry Variant Classification Scheme 2023. Collection method: clinical testing. Allele origin: germline.
Comment: The p.D188N variant (also known as c.562G>A), located in coding exon 5 of the PTPN11 gene, results from a G to A substitution at nucleotide position 562. The aspartic acid at codon 188 is replaced by asparagine, an amino acid with highly similar properties. This amino acid position is conserved. In addition, this alteration is predicted to be tolerated by in silico analysis. Based on the available evidence, the clinical significance of this variant remains unclear.

Women's Health and Genetics/Laboratory Corporation of America, LabCorp
Classification: Uncertain significance. Last evaluated: 2018-11-12. Review status: criteria provided, single submitter. Criteria: LabCorp Variant Classification Summary - May 2015. Collection method: clinical testing. Allele origin: germline.
Comment: Variant summary: PTPN11 c.562G>A (p.Asp188Asn) results in a conservative amino acid change located in the SH2 domain (IPR000980) of the encoded protein sequence. Four of five in-silico tools predict a benign effect of the variant on protein function. The variant was absent in 276816 control chromosomes (gnomAD). The available data on variant occurrences in the general population are insufficient to allow any conclusion about variant significance. To our knowledge, no occurrence of c.562G>A in individuals affected with Noonan Syndrome and Related Conditions and no experimental evidence demonstrating its impact on protein function have been reported. No clinical diagnostic laboratories have submitted clinical-significance assessments for this variant to ClinVar after 2014. Based on the evidence outlined above, the variant was classified as uncertain significance.